The following is an entry in ClinVar:

ClinVar aggregate classification (germline): Benign/Likely benign. Review status: criteria provided, multiple submitters, no conflicts (2 of 4 stars). 11 submissions from 11 submitters: Benign (1); Likely benign (9). 1 of the submissions does not count toward it. Last evaluated 2026-01-25.

Conditions:
Lynch syndrome 4 (LYNCH4). Also called: Colorectal cancer, hereditary nonpolyposis, type 4; Hereditary non-polyposis colorectal cancer, type 4. Identifiers: Orphanet 144, MedGen C1838333, MONDO:0013699, OMIM 614337. Disease mechanism: loss of function.
Hereditary cancer-predisposing syndrome. Also called: Neoplastic Syndromes, Hereditary; Hereditary Cancer Syndrome; Tumor predisposition; Hereditary neoplastic syndrome. Identifiers: Orphanet 140162, MedGen C0027672, MeSH D009386, MONDO:0015356.
Hereditary nonpolyposis colorectal neoplasms. Identifiers: MedGen C0009405, MeSH D003123.
Malignant tumor of breast. Also called: Malignant breast neoplasm; Cancer breast. Identifiers: MedGen C0006142, MONDO:0007254. Disease mechanism: loss of function.

Allele frequency attached by ClinVar (database versions not stated): ExAC 0.00002; gnomAD exomes 0.00002.

Submissions (11):

Labcorp Genetics (formerly Invitae), Labcorp
Classification: Likely benign for Hereditary nonpolyposis colorectal neoplasms. Last evaluated: 2026-01-25. Review status: criteria provided, single submitter. Criteria: Invitae Variant Classification Sherloc (09022015). Collection method: clinical testing. Allele origin: germline.

Ambry Genetics
Classification: Likely benign for Hereditary cancer-predisposing syndrome. Last evaluated: 2025-09-22. Review status: criteria provided, single submitter. Criteria: Ambry Variant Classification Scheme 2023. Collection method: clinical testing. Allele origin: germline.

Myriad Genetics, Inc.
Classification: Benign for Lynch syndrome 4. Last evaluated: 2025-02-04. Review status: criteria provided, single submitter. Criteria: Myriad Autosomal Dominant, Autosomal Recessive and X-Linked Classification Criteria (2023). Collection method: clinical testing. Allele origin: unknown.
Comment: This variant is considered benign. This variant is a silent/synonymous amino acid change and it is not expected to impact splicing.

CeGaT Center for Human Genetics Tuebingen
Classification: Likely benign. Last evaluated: 2024-05-01. Review status: criteria provided, single submitter. Criteria: CeGaT Center For Human Genetics Tuebingen Variant Classification Criteria Version 2. Collection method: clinical testing. Allele origin: germline. Affected: yes. Observed: 1 variant allele.
Comment: PMS2: BP4, BP7

Blueprint Genetics
Classification: Likely benign. Last evaluated: 2023-07-24. Review status: criteria provided, single submitter. Criteria: ACMG Guidelines, 2015. Collection method: clinical testing. Allele origin: germline.

Women's Health and Genetics/Laboratory Corporation of America, LabCorp
Classification: Likely benign. Last evaluated: 2022-03-21. Review status: criteria provided, single submitter. Criteria: LabCorp Variant Classification Summary - May 2015. Collection method: clinical testing. Allele origin: germline.

Color Diagnostics, LLC DBA Color Health
Classification: Likely benign for Hereditary cancer-predisposing syndrome. Last evaluated: 2021-12-30. Review status: criteria provided, single submitter. Criteria: ACMG Guidelines, 2015. Collection method: clinical testing. Allele origin: germline.

Sema4
Classification: Likely benign for Hereditary cancer-predisposing syndrome. Last evaluated: 2021-07-03. Review status: criteria provided, single submitter. Criteria: Sema4 Curation Guidelines. Collection method: curation. Allele origin: germline.

GeneKor MSA
Classification: Likely benign for Hereditary cancer-predisposing syndrome. Last evaluated: 2018-08-01. Review status: criteria provided, single submitter. Criteria: ACMG Guidelines, 2015. Collection method: clinical testing. Allele origin: germline. Affected: yes.

GeneDx
Classification: Likely benign. Last evaluated: 2017-08-25. Review status: criteria provided, single submitter. Criteria: GeneDx Variant Classification (06012015). Collection method: clinical testing. Allele origin: germline. Affected: yes.
Comment: This variant is considered likely benign or benign based on one or more of the following criteria: it is a conservative change, it occurs at a poorly conserved position in the protein, it is predicted to be benign by multiple in silico algorithms, and/or has population frequency not consistent with disease.

Department of Pathology and Laboratory Medicine, Sinai Health System
Classification: Uncertain significance for Malignant tumor of breast. Review status: no assertion criteria provided. Collection method: clinical testing. Allele origin: unknown. Affected: yes. Study: The Canadian Open Genetics Repository (COGR). Not counted in ClinVar's aggregate classification.
Comment: The PMS2 p.Val783= variant was not identified in the literature nor was it identified in the ClinVar, Cosmic, MutDB, Insight Colon Cancer Gene Variant Database, Zhejiang Colon Cancer Database, Mismatch Repair Genes Variant Database, Insight Hereditary Tumors Database. The variant was identified in dbSNP (ID: rs751036491) as â€šÃ„ÃºNAâ€šÃ„Ã¹. The variant was identified in control databases in 4 of 244958 chromosomes at a frequency of 0.000016 (Genome Aggregation Database Feb 27, 2017). Breakdown of the observations by population include European (Non-Finnish) in 2 of 110802 chromosomes (freq: 0.000018), and South Asian in 2 of 30682 chromosomes (freq: 0.000065) while the variant was not observed in the African, Other, Latino, Ashkenazi Jewish, East Asian, and European (Finnish) populations. The p.Val783= variant is not expected to have clinical significance because it does not result in a change of amino acid and is not located in a known consensus splice site. In addition, in silico or computational prediction software programs (SpliceSiteFinder, MaxEntScan, NNSPLICE, GeneSplicer, HumanSpliceFinder) do not predict a difference in splicing. In summary, based on the above information the clinical significance of this variant cannot be determined with certainty at this time. This variant is classified as a variant of uncertain significance.

NM_000535.7(PMS2):c.2349C>T (p.Val783=)

Gene: PMS2 (PMS1 homolog 2, mismatch repair system component; minus strand). Cytogenetic location: 7p22.1.
Variant type: single nucleotide variant.
Coding change: c.2349C>T on transcript NM_000535.7 (MANE Select); coding-DNA position 2349, C replaced by T.
Protein change: p.Val783=; no amino-acid change (valine 783 retained).
Molecular consequence: synonymous variant. On other transcripts: non-coding transcript variant (1).
Genome position (GRCh38, 1-based): chr7:5,977,684, G>A on the plus strand (C>T on the coding strand, the complement: PMS2 is on the minus strand). VCF-style: chr7-5977684-G-A. GRCh37 (hg19) VCF-style: chr7-6017315-G-A.
Other names: c.1944C>T, p.Val648= (NM_001322003.2, NM_001322004.2, NM_001322005.2); c.2193C>T, p.Val731= (NM_001322006.2); c.2031C>T, p.Val677= (NM_001322007.2, NM_001322008.2); c.1977C>T, p.Val659= (NM_001322009.2); c.1788C>T, p.Val596= (NM_001322010.2); c.1416C>T, p.Val472= (NM_001322011.2, NM_001322012.2); c.1776C>T, p.Val592= (NM_001322013.2); c.2382C>T, p.Val794= (NM_001322014.2); and 1 more.
Identifiers: ClinVar variation 516442 (VCV000516442.38), dbSNP rs751036491, ClinGen allele CA047801.